The following is an entry in ClinVar:

NM_004218.4(RAB11B):c.443dup (p.Leu148fs)

Gene: RAB11B (RAB11B, member RAS oncogene family; plus strand). Cytogenetic location: 19p13.2.
Variant type: Duplication.
Coding change: c.443dup on transcript NM_004218.4 (MANE Select); coding-DNA position 443, one base duplicated (T; older notation c.443dupT).
Protein change: p.Leu148fs; shifts the reading frame from leucine 148.
Molecular consequence: frameshift variant.
Genome position (GRCh38, 1-based): chr19:8,402,497, T duplicated; the last of 2 consecutive T bases (chr19:8,402,496-8,402,497); duplicating either gives the same sequence. VCF-style (leftmost placement, unchanged base first): chr19-8402495-C-CT. GRCh37 (hg19) VCF-style: chr19-8467379-C-CT.
Other names: short protein forms L148fs.
Identifiers: ClinVar variation 3661207 (VCV003661207.2).

ClinVar aggregate classification (germline): Uncertain significance (1 of 4 stars; one submission).

Submission:

Labcorp Genetics (formerly Invitae), Labcorp
Classification: Uncertain significance. Last evaluated: 2024-08-08. Review status: criteria provided, single submitter. Criteria: Invitae Variant Classification Sherloc (09022015). Collection method: clinical testing. Allele origin: germline.
Comment: This sequence change creates a premature translational stop signal (p.Leu148Phefs*13) in the RAB11B gene. While this is not anticipated to result in nonsense mediated decay, it is expected to disrupt the last 71 amino acid(s) of the RAB11B protein. This variant is not present in population databases (gnomAD no frequency). This variant has not been reported in the literature in individuals affected with RAB11B-related conditions. Experimental studies and prediction algorithms are not available or were not evaluated, and the functional significance of this variant is currently unknown. In summary, the available evidence is currently insufficient to determine the role of this variant in disease. Therefore, it has been classified as a Variant of Uncertain Significance.